The following is an entry in ClinVar:

NM_000066.4(C8B):c.624G>A (p.Thr208=)

Gene: C8B (complement C8 beta chain; minus strand). Cytogenetic location: 1p32.2.
Variant type: single nucleotide variant.
Coding change: c.624G>A on transcript NM_000066.4 (MANE Select); coding-DNA position 624, G replaced by A.
Protein change: p.Thr208=; no amino-acid change (threonine 208 retained).
Molecular consequence: synonymous variant.
Genome position (GRCh38, 1-based): chr1:56,952,090, C>T on the plus strand (G>A on the coding strand, the complement: C8B is on the minus strand). VCF-style: chr1-56952090-C-T. GRCh37 (hg19) VCF-style: chr1-57417763-C-T.
Other names: c.468G>A, p.Thr156= (NM_001278543.2); c.438G>A, p.Thr146= (NM_001278544.2); c.624G>A (NM_000066.3).
Identifiers: ClinVar variation 1568421 (VCV001568421.10), dbSNP rs148088012, ClinGen allele CA875911.

ClinVar aggregate classification (germline): Likely benign. Review status: criteria provided, single submitter (1 of 4 stars). 2 submissions from 2 submitters: Likely benign (1). 1 of the submissions does not count toward it. Last evaluated 2026-01-27.

Conditions:
C8B-related disorder. Also called: C8B-related condition.

Allele frequency attached by ClinVar (database versions not stated): ExAC 0.00015; ESP Exome Variant Server 0.00015; 1000 Genomes Project 0.00020; gnomAD 0.00021; TOPMed 0.00022; 1000 Genomes Project 30x 0.00031.
gnomAD v4.1: 152 of 1,614,142 alleles (0.0094%); highest among the groups gnomAD compares: Admixed American, 0.035%; no homozygotes.

Submissions (2):

Labcorp Genetics (formerly Invitae), Labcorp
Classification: Likely benign. Last evaluated: 2026-01-27. Review status: criteria provided, single submitter. Criteria: Invitae Variant Classification Sherloc (09022015). Collection method: clinical testing. Allele origin: germline.

PreventionGenetics, part of Exact Sciences
Classification: Likely benign for C8B-related condition. Last evaluated: 2019-11-26. Review status: no assertion criteria provided. Collection method: clinical testing. Allele origin: germline. Not counted in ClinVar's aggregate classification.
Comment: This variant is classified as likely benign based on ACMG/AMP sequence variant interpretation guidelines (Richards et al. 2015 PMID: 25741868, with internal and published modifications).